The following is an entry in ClinVar:

ClinVar aggregate classification (germline): Uncertain significance. Review status: criteria provided, multiple submitters, no conflicts (2 of 4 stars). 2 submissions from 2 submitters: Uncertain significance (2). Last evaluated 2025-10-23.

Conditions:
Hereditary cancer-predisposing syndrome. Also called: Hereditary neoplastic syndrome; Neoplastic Syndromes, Hereditary; Hereditary Cancer Syndrome; Tumor predisposition. Identifiers: Orphanet 140162, MedGen C0027672, MeSH D009386, MONDO:0015356.
Gastrointestinal stromal tumor. Also called: Gastrointestinal stromal tumor, somatic; Gastrointestinal stroma tumor. Identifiers: Orphanet 44890, MedGen C0238198, MeSH D046152, MONDO:0011719, OMIM 606764, HP:0100723.

Allele frequency attached by ClinVar (database versions not stated): gnomAD exomes below 0.00001; ExAC 0.00001; gnomAD 0.00001; TOPMed 0.00001.
gnomAD v4.1: 7 of 1,610,734 alleles (0.00043%); highest among the groups gnomAD compares: African/African-American, 0.0013%; no homozygotes.

Submissions (2):

Labcorp Genetics (formerly Invitae), Labcorp
Classification: Uncertain significance for Gastrointestinal stromal tumor. Last evaluated: 2025-10-23. Review status: criteria provided, single submitter. Criteria: Invitae Variant Classification Sherloc (09022015). Collection method: clinical testing. Allele origin: germline.
Comment: This sequence change replaces arginine, which is basic and polar, with serine, which is neutral and polar, at codon 634 of the PDGFRA protein (p.Arg634Ser). This variant is present in population databases (rs778818973, gnomAD 0.007%). This variant has not been reported in the literature in individuals affected with PDGFRA-related conditions. ClinVar contains an entry for this variant (Variation ID: 933644). Invitae Evidence Modeling of protein sequence and biophysical properties (such as structural, functional, and spatial information, amino acid conservation, physicochemical variation, residue mobility, and thermodynamic stability) indicates that this missense variant is not expected to disrupt PDGFRA protein function with a negative predictive value of 80%. In summary, the available evidence is currently insufficient to determine the role of this variant in disease. Therefore, it has been classified as a Variant of Uncertain Significance.

Ambry Genetics
Classification: Uncertain significance for Hereditary cancer-predisposing syndrome. Last evaluated: 2023-02-09. Review status: criteria provided, single submitter. Criteria: Ambry Variant Classification Scheme 2023. Collection method: clinical testing. Allele origin: germline.
Comment: The p.R634S variant (also known as c.1902A>C), located in coding exon 13 of the PDGFRA gene, results from an A to C substitution at nucleotide position 1902. The arginine at codon 634 is replaced by serine, an amino acid with dissimilar properties. This amino acid position is conserved. In addition, the in silico prediction for this alteration is inconclusive. Since supporting evidence is limited at this time, the clinical significance of this alteration remains unclear.

NM_006206.6(PDGFRA):c.1902A>C (p.Arg634Ser)

Gene: PDGFRA (platelet derived growth factor receptor alpha; plus strand). Cytogenetic location: 4q12.
Variant type: single nucleotide variant.
Coding change: c.1902A>C on transcript NM_006206.6 (MANE Select); coding-DNA position 1902, A replaced by C.
Protein change: p.Arg634Ser; replaces arginine 634 with serine.
Molecular consequence: missense variant.
Genome position (GRCh38, 1-based): chr4:54,277,906, A>C. VCF-style: chr4-54277906-A-C. GRCh37 (hg19) VCF-style: chr4-55144073-A-C.
Other names: c.1902A>C, p.Arg634Ser (NM_001347827.2, NM_001347829.2); c.1977A>C, p.Arg659Ser (NM_001347828.2); c.1941A>C, p.Arg647Ser (NM_001347830.2); short protein forms R634S, R647S, R659S.
Identifiers: ClinVar variation 933644 (VCV000933644.9), dbSNP rs778818973, ClinGen allele CA2922711.